The following is an entry in ClinVar:

ClinVar aggregate classification (germline): Uncertain significance. Review status: criteria provided, multiple submitters, no conflicts (2 of 4 stars). 3 submissions from 3 submitters: Uncertain significance (3). Last evaluated 2025-03-04.

Conditions:
Hereditary cancer-predisposing syndrome. Also called: Tumor predisposition; Neoplastic Syndromes, Hereditary; Hereditary Cancer Syndrome; Hereditary neoplastic syndrome. Identifiers: Orphanet 140162, MedGen C0027672, MeSH D009386, MONDO:0015356.
Fanconi anemia complementation group O. Also called: RAD51C-Related Fanconi Anemia. Identifiers: Orphanet 84, MedGen C3150653, MONDO:0013248, OMIM 613390.

Allele frequency attached by ClinVar (database versions not stated): gnomAD exomes below 0.00001.
gnomAD v4.1: 1 of 1,612,028 alleles (0.000062%); highest among the groups gnomAD compares: Non-Finnish European, 0.000085%; no homozygotes.

Submissions (3):

Ambry Genetics
Classification: Uncertain significance for Hereditary cancer-predisposing syndrome. Last evaluated: 2025-03-04. Review status: criteria provided, single submitter. Criteria: Ambry Variant Classification Scheme 2023. Collection method: clinical testing. Allele origin: germline.
Comment: The p.R322S variant (also known as c.966G>T) is located in coding exon 8 of the RAD51C gene. The arginine at codon 322 is replaced by serine, an amino acid with dissimilar properties. This change occurs in the first base pair of coding exon 8. This amino acid position is highly conserved in available vertebrate species. In addition, the in silico prediction for this alteration is inconclusive. Based on the available evidence, the clinical significance of this variant remains unclear.

Labcorp Genetics (formerly Invitae), Labcorp
Classification: Uncertain significance for Fanconi anemia complementation group O. Last evaluated: 2022-06-12. Review status: criteria provided, single submitter. Criteria: Invitae Variant Classification Sherloc (09022015). Collection method: clinical testing. Allele origin: germline.
Comment: Algorithms developed to predict the effect of sequence changes on RNA splicing suggest that this variant may disrupt the consensus splice site. Algorithms developed to predict the effect of missense changes on protein structure and function are either unavailable or do not agree on the potential impact of this missense change (SIFT: "Tolerated"; PolyPhen-2: "Possibly Damaging"; Align-GVGD: "Class C0"). ClinVar contains an entry for this variant (Variation ID: 627955). This variant has not been reported in the literature in individuals affected with RAD51C-related conditions. This variant is not present in population databases (gnomAD no frequency). This sequence change replaces arginine, which is basic and polar, with serine, which is neutral and polar, at codon 322 of the RAD51C protein (p.Arg322Ser). In summary, the available evidence is currently insufficient to determine the role of this variant in disease. Therefore, it has been classified as a Variant of Uncertain Significance.

Color Diagnostics, LLC DBA Color Health
Classification: Uncertain significance for Hereditary cancer-predisposing syndrome. Last evaluated: 2019-04-24. Review status: criteria provided, single submitter. Criteria: ACMG Guidelines, 2015. Collection method: clinical testing. Allele origin: germline.

NM_058216.3(RAD51C):c.966G>T (p.Arg322Ser)

Gene: RAD51C (RAD51 paralog C; plus strand). Cytogenetic location: 17q22.
Variant type: single nucleotide variant.
Coding change: c.966G>T on transcript NM_058216.3 (MANE Select); coding-DNA position 966, G replaced by T.
Protein change: p.Arg322Ser; replaces arginine 322 with serine.
Molecular consequence: missense variant. On other transcripts: non-coding transcript variant (1).
Genome position (GRCh38, 1-based): chr17:58,732,484, G>T. VCF-style: chr17-58732484-G-T. GRCh37 (hg19) VCF-style: chr17-56809845-G-T.
Other names: c.966G>T (NM_058216.1); short protein forms R322S.
Identifiers: ClinVar variation 627955 (VCV000627955.9), dbSNP rs1567817289, ClinGen allele CA400364832.
Genomic context (GRCh38, chr17:58,732,484, plus strand): 5'-TGAACTTTTAATTAATTAAGTTCATGTGTTTGTATGTATTTATTCTTTTTCTTTAAGCAG[G>T]TTGGCAACATTGTACAAGTCACCCAGCCAGAAGGAATGCACAGTACTGTTTCAAATCAAA-3'
Protein context (NP_478123.1, residues 312-332): RLIFHWDRKQ[Arg322Ser]LATLYKSPSQ